The following is an entry in ClinVar:

ClinVar aggregate classification (germline): Uncertain significance (1 of 4 stars; one submission).

Conditions:
Fanconi anemia (FA). Also called: Fanconi's anemia. Identifiers: Orphanet 84, MedGen C0015625, MeSH D005199, MONDO:0019391.

Allele frequency attached by ClinVar (database versions not stated): gnomAD exomes below 0.00001.
gnomAD v4.1: 2 of 1,613,676 alleles (0.00012%); highest among the groups gnomAD compares: Non-Finnish European, 0.00017%; no homozygotes.

Submission:

Labcorp Genetics (formerly Invitae), Labcorp
Classification: Uncertain significance for Fanconi anemia. Last evaluated: 2021-10-30. Review status: criteria provided, single submitter. Criteria: Invitae Variant Classification Sherloc (09022015). Collection method: clinical testing. Allele origin: germline.
Comment: In summary, the available evidence is currently insufficient to determine the role of this variant in disease. Therefore, it has been classified as a Variant of Uncertain Significance. Algorithms developed to predict the effect of missense changes on protein structure and function (SIFT, PolyPhen-2, Align-GVGD) all suggest that this variant is likely to be tolerated. This variant has not been reported in the literature in individuals affected with FANCD2-related conditions. This variant is not present in population databases (gnomAD no frequency). This sequence change replaces lysine, which is basic and polar, with glutamic acid, which is acidic and polar, at codon 910 of the FANCD2 protein (p.Lys910Glu).

NM_001018115.3(FANCD2):c.2728A>G (p.Lys910Glu)

Genes: FANCD2 (FA complementation group D2; plus strand), LOC107303338 (3p25 FANCD2 Alu-mediated recombination region; plus strand). Cytogenetic location: 3p25.3.
Variant type: single nucleotide variant.
Coding change: c.2728A>G on transcript NM_001018115.3 (MANE Select); coding-DNA position 2728, A replaced by G.
Protein change: p.Lys910Glu; replaces lysine 910 with glutamic acid.
Molecular consequence: missense variant.
Genome position (GRCh38, 1-based): chr3:10,074,542, A>G. VCF-style: chr3-10074542-A-G. GRCh37 (hg19) VCF-style: chr3-10116226-A-G.
Other names: c.2728A>G, p.Lys910Glu (NM_001319984.2, NM_001374254.1, NM_033084.6); c.2617A>G, p.Lys873Glu (NM_001374253.1); short protein forms K910E, K873E.
Identifiers: ClinVar variation 1514072 (VCV001514072.5), dbSNP rs1693428697, ClinGen allele CA351744050.